The following is an entry in ClinVar:

ClinVar aggregate classification (germline): Pathogenic (1 of 4 stars; one submission).

Conditions:
Familial cancer of breast. Also called: Hereditary breast cancer; BREAST CANCER, FAMILIAL; hereditary breast carcinoma. Identifiers: Orphanet 227535, MedGen C0346153, MONDO:0016419, OMIM 114480. Disease mechanism: loss of function.

Submission:

Myriad Genetics, Inc.
Classification: Pathogenic for Familial cancer of breast. Last evaluated: 2023-09-07. Review status: criteria provided, single submitter. Criteria: Myriad Autosomal Dominant, Autosomal Recessive and X-Linked Classification Criteria (2023). Collection method: clinical testing. Allele origin: unknown.
Comment: This variant is considered pathogenic. This variant creates a termination codon and is predicted to result in premature protein truncation.

NM_024675.4(PALB2):c.1122del (p.Ile374_Leu375insTer)

Gene: PALB2 (partner and localizer of BRCA2; minus strand). Cytogenetic location: 16p12.2.
Variant type: Deletion.
Coding change: c.1122del on transcript NM_024675.4 (MANE Select); coding-DNA position 1122, one base deleted (T; older notation c.1122delT).
Protein change: p.Ile374_Leu375insTer.
Molecular consequence: frameshift variant. On other transcripts: intron variant (3).
Genome position (GRCh38, 1-based): chr16:23,635,424, A deleted on the plus strand (T on the coding strand, the reverse complement: PALB2 is on the minus strand); the first of 2 consecutive A bases (chr16:23,635,424-23,635,425); deleting either gives the same sequence. VCF-style (leftmost placement, unchanged base first): chr16-23635423-GA-G. GRCh37 (hg19) VCF-style: chr16-23646744-GA-G.
Other names: c.1062del, p.Ile354_Leu355insTer (NM_001407296.1); c.1122del, p.Ile374_Leu375insTer (NM_001407297.1, NM_001407298.1, NM_001407299.1 and 3 more transcripts); c.237del, p.Ile79_Leu80insTer (NM_001407304.1, NM_001407305.1, NM_001407306.1 and 5 more transcripts); c.48+5686del (NM_001407314.1); c.-104-4955del (NM_001407313.1, NM_001407312.1).
Identifiers: ClinVar variation 2674183 (VCV002674183.1), dbSNP rs2506488161, ClinGen allele CA2695197506.